The following is an entry in ClinVar:

NM_001148.6(ANK2):c.1855G>T (p.Gly619Cys)

Gene: ANK2 (ankyrin 2; plus strand). Cytogenetic location: 4q26.
Variant type: single nucleotide variant.
Coding change: c.1855G>T on transcript NM_001148.6 (MANE Select); coding-DNA position 1855, G replaced by T.
Protein change: p.Gly619Cys; replaces glycine 619 with cysteine.
Molecular consequence: missense variant. On other transcripts: intron variant (10).
Genome position (GRCh38, 1-based): chr4:113,278,532, G>T. VCF-style: chr4-113278532-G-T. GRCh37 (hg19) VCF-style: chr4-114199688-G-T.
Other names: c.1792G>T, p.Gly598Cys (NM_001127493.3, NM_001354239.2, NM_001354243.2 and 10 more transcripts); c.1855G>T, p.Gly619Cys (NM_001354225.2, NM_001354228.2, NM_001354232.2 and 6 more transcripts); c.1900G>T, p.Gly634Cys (NM_001354230.2, NM_001354231.2, NM_001354237.2 and 5 more transcripts); c.1768G>T, p.Gly590Cys (NM_001354249.2, NM_001354264.2, NM_001354266.2 and 10 more transcripts); c.1813G>T, p.Gly605Cys (NM_001354261.2, NM_001386147.1, NM_001386160.1); c.1645G>T, p.Gly549Cys (NM_001354269.3); c.1657G>T, p.Gly553Cys (NM_001354273.2); c.1570G>T, p.Gly524Cys (NM_001354277.2, NM_001386157.1); and 8 more; short protein forms G524C, G549C, G553C, G590C, G598C, G605C, G607C, G615C.
Identifiers: ClinVar variation 3384283 (VCV003384283.1).

ClinVar aggregate classification (germline): Uncertain significance (1 of 4 stars; one submission).

Submission:

GeneDx
Classification: Uncertain significance. Last evaluated: 2024-06-05. Review status: criteria provided, single submitter. Criteria: GeneDx Variant Classification Process June 2021. Collection method: clinical testing. Allele origin: germline. Affected: yes.
Comment: Not observed at significant frequency in large population cohorts (gnomAD); In silico analysis supports that this missense variant has a deleterious effect on protein structure/function; Has not been previously published as pathogenic or benign to our knowledge